The following is an entry in ClinVar:

ClinVar aggregate classification (germline): Uncertain significance (1 of 4 stars; one submission).

Submission:

Ambry Genetics
Classification: Uncertain significance. Last evaluated: 2022-05-12. Review status: criteria provided, single submitter. Criteria: Ambry Variant Classification Scheme 2023. Collection method: clinical testing. Allele origin: germline.
Comment: The p.N451I variant (also known as c.1352A>T), located in coding exon 9 of the POLQ gene, results from an A to T substitution at nucleotide position 1352. The asparagine at codon 451 is replaced by isoleucine, an amino acid with dissimilar properties. This amino acid position is conserved. In addition, this alteration is predicted to be deleterious by in silico analysis. Since supporting evidence is limited at this time, the clinical significance of this alteration remains unclear.

NM_199420.4(POLQ):c.1352A>T (p.Asn451Ile)

Gene: POLQ (DNA polymerase theta; minus strand). Cytogenetic location: 3q13.33.
Variant type: single nucleotide variant.
Coding change: c.1352A>T on transcript NM_199420.4 (MANE Select); coding-DNA position 1352, A replaced by T.
Protein change: p.Asn451Ile; replaces asparagine 451 with isoleucine.
Molecular consequence: missense variant.
Genome position (GRCh38, 1-based): chr3:121,519,987, T>A on the plus strand (A>T on the coding strand, the complement: POLQ is on the minus strand). VCF-style: chr3-121519987-T-A. GRCh37 (hg19) VCF-style: chr3-121238834-T-A.
Other names: short protein forms N451I.
Identifiers: ClinVar variation 1770626 (VCV001770626.2), dbSNP rs748789416, ClinGen allele CA354119500.